The following is an entry in ClinVar:

ClinVar aggregate classification (germline): Uncertain significance (1 of 4 stars; one submission).

Submission:

Labcorp Genetics (formerly Invitae), Labcorp
Classification: Uncertain significance. Last evaluated: 2024-08-12. Review status: criteria provided, single submitter. Criteria: Invitae Variant Classification Sherloc (09022015). Collection method: clinical testing. Allele origin: germline.
Comment: This sequence change replaces serine, which is neutral and polar, with tyrosine, which is neutral and polar, at codon 400 of the AXL protein (p.Ser400Tyr). This variant is not present in population databases (gnomAD no frequency). This variant has not been reported in the literature in individuals affected with AXL-related conditions. ClinVar contains an entry for this variant (Variation ID: 1376485). Advanced modeling of protein sequence and biophysical properties (such as structural, functional, and spatial information, amino acid conservation, physicochemical variation, residue mobility, and thermodynamic stability) performed at Invitae indicates that this missense variant is not expected to disrupt AXL protein function with a negative predictive value of 80%. In summary, the available evidence is currently insufficient to determine the role of this variant in disease. Therefore, it has been classified as a Variant of Uncertain Significance.

NM_021913.5(AXL):c.1199C>A (p.Ser400Tyr)

Gene: AXL (AXL receptor tyrosine kinase; plus strand). Cytogenetic location: 19q13.2.
Variant type: single nucleotide variant.
Coding change: c.1199C>A on transcript NM_021913.5 (MANE Select); coding-DNA position 1199, C replaced by A.
Protein change: p.Ser400Tyr; replaces serine 400 with tyrosine.
Molecular consequence: missense variant.
Genome position (GRCh38, 1-based): chr19:41,239,228, C>A. VCF-style: chr19-41239228-C-A. GRCh37 (hg19) VCF-style: chr19-41745133-C-A.
Other names: c.395C>A, p.Ser132Tyr (NM_001278599.2); c.1199C>A, p.Ser400Tyr (NM_001699.6); short protein forms S400Y, S132Y.
Identifiers: ClinVar variation 1376485 (VCV001376485.6), dbSNP rs2122237793, ClinGen allele CA405992416.